The following is an entry in ClinVar:

ClinVar aggregate classification (germline): Conflicting classifications of pathogenicity. Review status: criteria provided, conflicting classifications (1 of 4 stars). 4 submissions from 4 submitters: Uncertain significance (3); Likely benign (1). Last evaluated 2026-01-24.

Conditions:
Nonpapillary renal cell carcinoma. Identifiers: Orphanet 422526, MedGen CN074294, MONDO:0007763, OMIM 144700.
Familial spontaneous pneumothorax (PSP). Identifiers: Orphanet 2903, MedGen C1868193, MONDO:0008259, OMIM 173600.
Birt-Hogg-Dube syndrome 1 (BHD1). Also called: FIBROFOLLICULOMAS WITH TRICHODISCOMAS AND ACROCHORDONS. Identifiers: Orphanet 122, MedGen CN375946, MONDO:0800445, OMIM 135150.
Colorectal cancer. Also called: Colorectal cancer, somatic; Malignant Colorectal Neoplasm. Identifiers: MedGen C0346629, MONDO:0005575, OMIM 114500.
Hereditary cancer-predisposing syndrome. Also called: Hereditary neoplastic syndrome; Neoplastic Syndromes, Hereditary; Hereditary Cancer Syndrome; Tumor predisposition. Identifiers: Orphanet 140162, MedGen C0027672, MeSH D009386, MONDO:0015356.
Birt-Hogg-Dube syndrome. Also called: Birt Hogg Dubé syndrome. Identifiers: Orphanet 122, MedGen C0346010, MONDO:0800444.

Allele frequency attached by ClinVar (database versions not stated): gnomAD exomes below 0.00001; TOPMed 0.00001.

Submissions (4):

Labcorp Genetics (formerly Invitae), Labcorp
Classification: Uncertain significance for Birt-Hogg-Dube syndrome. Last evaluated: 2026-01-24. Review status: criteria provided, single submitter. Criteria: Invitae Variant Classification Sherloc (09022015). Collection method: clinical testing. Allele origin: germline.
Comment: This sequence change replaces serine, which is neutral and polar, with asparagine, which is neutral and polar, at codon 461 of the FLCN protein (p.Ser461Asn). This variant is present in population databases (no rsID available, gnomAD 0.0009%). This variant has not been reported in the literature in individuals affected with FLCN-related conditions. ClinVar contains an entry for this variant (Variation ID: 571750). Invitae Evidence Modeling of protein sequence and biophysical properties (such as structural, functional, and spatial information, amino acid conservation, physicochemical variation, residue mobility, and thermodynamic stability) indicates that this missense variant is not expected to disrupt FLCN protein function with a negative predictive value of 80%. In summary, the available evidence is currently insufficient to determine the role of this variant in disease. Therefore, it has been classified as a Variant of Uncertain Significance.

Ambry Genetics
Classification: Likely benign for Hereditary cancer-predisposing syndrome. Last evaluated: 2025-01-13. Review status: criteria provided, single submitter. Criteria: Ambry Variant Classification Scheme 2023. Collection method: clinical testing. Allele origin: germline.

Quest Diagnostics Nichols Institute San Juan Capistrano
Classification: Uncertain significance. Last evaluated: 2024-09-09. Review status: criteria provided, single submitter. Criteria: Quest Diagnostics criteria. Collection method: clinical testing. Allele origin: unknown.
Comment: The FLCN c.1382G>A (p.Ser461Asn) variant has not been reported in individuals with FLCN-related conditions in the published literature. The frequency of this variant in the general population, 0.000004 (1/251412 chromosomes (Genome Aggregation Database)), is uninformative in the assessment of its pathogenicity. Analysis of this variant using bioinformatics tools for the prediction of the effect of amino acid changes on protein structure and function yielded predictions that this variant is benign. Based on the available information, we are unable to determine the clinical significance of this variant.

Fulgent Genetics
Classification: Uncertain significance for Colorectal cancer; Birt-Hogg-Dube syndrome 1; Nonpapillary renal cell carcinoma; Familial spontaneous pneumothorax. Last evaluated: 2024-02-07. Review status: criteria provided, single submitter. Criteria: ACMG Guidelines, 2015. Collection method: clinical testing. Allele origin: germline.

Literature cited by the submitters: PubMed 33137092 (cited by Quest Diagnostics Nichols Institute San Juan Capistrano).

NM_144997.7(FLCN):c.1382G>A (p.Ser461Asn)

Gene: FLCN (folliculin; minus strand). Cytogenetic location: 17p11.2.
Variant type: single nucleotide variant.
Coding change: c.1382G>A on transcript NM_144997.7 (MANE Select); coding-DNA position 1382, G replaced by A.
Protein change: p.Ser461Asn; replaces serine 461 with asparagine.
Molecular consequence: missense variant.
Genome position (GRCh38, 1-based): chr17:17,215,235, C>T on the plus strand (G>A on the coding strand, the complement: FLCN is on the minus strand). VCF-style: chr17-17215235-C-T. GRCh37 (hg19) VCF-style: chr17-17118549-C-T.
Other names: c.1436G>A, p.Ser479Asn (NM_001353229.2); c.1382G>A, p.Ser461Asn (NM_001353230.2, NM_001353231.2); c.1382G>A (LRG_325t1, NM_144997.6); short protein forms S461N, S479N.
Identifiers: ClinVar variation 571750 (VCV000571750.12), dbSNP rs1397579538, ClinGen allele CA398531270.